The following is an entry in ClinVar:

ClinVar aggregate classification (germline): Uncertain significance (1 of 4 stars; one submission).

Allele frequency attached by ClinVar (database versions not stated): gnomAD exomes below 0.00001.
gnomAD v4.1: 1 of 1,613,966 alleles (0.000062%); highest among the groups gnomAD compares: Non-Finnish European, 0.000085%; no homozygotes.

Submission:

Ambry Genetics
Classification: Uncertain significance. Last evaluated: 2024-04-24. Review status: criteria provided, single submitter. Criteria: Ambry Variant Classification Scheme 2023. Collection method: clinical testing. Allele origin: germline.
Comment: The p.A266D variant (also known as c.797C>A), located in coding exon 6 of the POLQ gene, results from a C to A substitution at nucleotide position 797. The alanine at codon 266 is replaced by aspartic acid, an amino acid with dissimilar properties. This amino acid position is conserved. In addition, this alteration is predicted to be deleterious by in silico analysis. Since supporting evidence is limited at this time, the clinical significance of this alteration remains unclear.

NM_199420.4(POLQ):c.797C>A (p.Ala266Asp)

Gene: POLQ (DNA polymerase theta; minus strand). Cytogenetic location: 3q13.33.
Variant type: single nucleotide variant.
Coding change: c.797C>A on transcript NM_199420.4 (MANE Select); coding-DNA position 797, C replaced by A.
Protein change: p.Ala266Asp; replaces alanine 266 with aspartic acid.
Molecular consequence: missense variant.
Genome position (GRCh38, 1-based): chr3:121,533,153, G>T on the plus strand (C>A on the coding strand, the complement: POLQ is on the minus strand). VCF-style: chr3-121533153-G-T. GRCh37 (hg19) VCF-style: chr3-121252000-G-T.
Other names: short protein forms A266D.
Identifiers: ClinVar variation 1761449 (VCV001761449.3), dbSNP rs2048424411, ClinGen allele CA354126618.